The following is an entry in ClinVar:

ClinVar aggregate classification (germline): Uncertain significance. Review status: criteria provided, multiple submitters, no conflicts (2 of 4 stars). 2 submissions from 2 submitters: Uncertain significance (2). Last evaluated 2023-06-12.

Allele frequency attached by ClinVar (database versions not stated): gnomAD exomes 0.00001; gnomAD 0.00002; TOPMed 0.00002.
gnomAD v4.1: 24 of 1,547,872 alleles (0.0016%); highest among the groups gnomAD compares: Non-Finnish European, 0.0018%; no homozygotes.

Submissions (2):

GeneDx
Classification: Uncertain significance. Last evaluated: 2023-06-12. Review status: criteria provided, single submitter. Criteria: GeneDx Variant Classification Process June 2021. Collection method: clinical testing. Allele origin: germline. Affected: yes.
Comment: Not observed at significant frequency in large population cohorts (gnomAD); In silico analysis supports a deleterious effect on splicing; In silico analysis supports that this missense variant does not alter protein structure/function; Has not been previously published as pathogenic or benign to our knowledge

Ambry Genetics
Classification: Uncertain significance. Last evaluated: 2021-12-20. Review status: criteria provided, single submitter. Criteria: Ambry Variant Classification Scheme 2023. Collection method: clinical testing. Allele origin: germline.

NM_001367479.1(DNAH14):c.6250A>G (p.Ile2084Val)

Gene: DNAH14 (dynein axonemal heavy chain 14; plus strand). Cytogenetic location: 1q42.12.
Variant type: single nucleotide variant.
Coding change: c.6250A>G on transcript NM_001367479.1 (MANE Select); coding-DNA position 6250, A replaced by G.
Protein change: p.Ile2084Val; replaces isoleucine 2084 with valine.
Molecular consequence: missense variant.
Genome position (GRCh38, 1-based): chr1:225,207,031, A>G. VCF-style: chr1-225207031-A-G. GRCh37 (hg19) VCF-style: chr1-225394733-A-G.
Other names: NM_001373.1:c.6184A>G; short protein forms I2084V.
Identifiers: ClinVar variation 2268108 (VCV002268108.3), dbSNP rs1390302195, ClinGen allele CA345319054.